The following is an entry in ClinVar:

NM_020207.7(ERCC6L2):c.1594T>G (p.Phe532Val)

Gene: ERCC6L2 (ERCC excision repair 6 like 2; plus strand). Cytogenetic location: 9q22.32.
Variant type: single nucleotide variant.
Coding change: c.1594T>G on transcript NM_020207.7 (MANE Select); coding-DNA position 1594, T replaced by G.
Protein change: p.Phe532Val; replaces phenylalanine 532 with valine.
Molecular consequence: missense variant. On other transcripts: non-coding transcript variant (1).
Genome position (GRCh38, 1-based): chr9:95,928,139, T>G. VCF-style: chr9-95928139-T-G. GRCh37 (hg19) VCF-style: chr9-98690421-T-G.
Other names: c.1594T>G, p.Phe532Val (NM_001010895.4, NM_001375291.1, NM_001375292.1 and 2 more transcripts); short protein forms F532V.
Identifiers: ClinVar variation 3509989 (VCV003509989.3).
Genomic context (GRCh38, chr9:95,928,139, plus strand): 5'-GTCCTTCAGCAGCTTTTAAATCATTGCAGGAAAAACAGAGATAAAGTTCTTCTCTTTTCT[T>G]TTTCCACCAAGGTGAGTTCATCTAAAGTATATCCTTGATTGGCCAGCCTCAACTTTTGAG-3'
Protein context (NP_064592.3, residues 522-542): KNRDKVLLFS[Phe532Val]STKLLDVLQQ

ClinVar aggregate classification (germline): Uncertain significance. Review status: criteria provided, multiple submitters, no conflicts (2 of 4 stars). 2 submissions from 2 submitters: Uncertain significance (2). Last evaluated 2025-10-09.

Conditions:
Inborn genetic diseases. Identifiers: MedGen C0950123, MeSH D030342.

Submissions (2):

Labcorp Genetics (formerly Invitae), Labcorp
Classification: Uncertain significance. Last evaluated: 2025-10-09. Review status: criteria provided, single submitter. Criteria: Invitae Variant Classification Sherloc (09022015). Collection method: clinical testing. Allele origin: germline.
Comment: This sequence change replaces phenylalanine, which is neutral and non-polar, with valine, which is neutral and non-polar, at codon 543 of the ERCC6L2 protein (p.Phe543Val). This variant is present in population databases (no rsID available, gnomAD 0.007%). This variant has not been reported in the literature in individuals affected with ERCC6L2-related conditions. ClinVar contains an entry for this variant (Variation ID: 3509989). Experimental studies and prediction algorithms are not available or were not evaluated, and the functional significance of this variant is currently unknown. In summary, the available evidence is currently insufficient to determine the role of this variant in disease. Therefore, it has been classified as a Variant of Uncertain Significance.

Ambry Genetics
Classification: Uncertain significance for Inborn genetic diseases. Last evaluated: 2025-03-12. Review status: criteria provided, single submitter. Criteria: Ambry Variant Classification Scheme 2023. Collection method: clinical testing. Allele origin: germline.